The following is an entry in ClinVar:

NM_006158.5(NEFL):c.868A>G (p.Ser290Gly)

Gene: NEFL (neurofilament light chain; minus strand). Cytogenetic location: 8p21.2.
Variant type: single nucleotide variant.
Coding change: c.868A>G on transcript NM_006158.5 (MANE Select); coding-DNA position 868, A replaced by G.
Protein change: p.Ser290Gly; replaces serine 290 with glycine.
Molecular consequence: missense variant.
Genome position (GRCh38, 1-based): chr8:24,955,648, T>C on the plus strand (A>G on the coding strand, the complement: NEFL is on the minus strand). VCF-style: chr8-24955648-T-C. GRCh37 (hg19) VCF-style: chr8-24813162-T-C.
Other names: short protein forms S290G.
Identifiers: ClinVar variation 1057137 (VCV001057137.5), dbSNP rs777110668, ClinGen allele CA4681427.

ClinVar aggregate classification (germline): Uncertain significance. Review status: criteria provided, multiple submitters, no conflicts (2 of 4 stars). 2 submissions from 2 submitters: Uncertain significance (2). Last evaluated 2021-06-09.

Conditions:
Charcot-Marie-Tooth disease type 2E (CMT2E). Also called: CHARCOT-MARIE-TOOTH DISEASE, AXONAL, TYPE 2E; CHARCOT-MARIE-TOOTH NEUROPATHY, TYPE 2E. Identifiers: Orphanet 99939, MedGen C1843225, MONDO:0011894, OMIM 607684.
Inborn genetic diseases. Identifiers: MedGen C0950123, MeSH D030342.

Allele frequency attached by ClinVar (database versions not stated): gnomAD exomes below 0.00001; TOPMed below 0.00001; ExAC 0.00001; gnomAD 0.00001.
gnomAD v4.1: 5 of 1,613,608 alleles (0.00031%); highest among the groups gnomAD compares: Non-Finnish European, 0.00042%; no homozygotes.

Submissions (2):

Ambry Genetics
Classification: Uncertain significance for Inborn genetic diseases. Last evaluated: 2021-06-09. Review status: criteria provided, single submitter. Criteria: Ambry Variant Classification Scheme 2023. Collection method: clinical testing. Allele origin: germline.
Comment: The p.S290G variant (also known as c.868A>G), located in coding exon 1 of the NEFL gene, results from an A to G substitution at nucleotide position 868. The serine at codon 290 is replaced by glycine, an amino acid with similar properties. This amino acid position is well conserved in available vertebrate species; however, glycine is the reference amino acid in other vertebrate species. In addition, this alteration is predicted to be tolerated by in silico analysis. Since supporting evidence is limited at this time, the clinical significance of this alteration remains unclear.

Labcorp Genetics (formerly Invitae), Labcorp
Classification: Uncertain significance for Charcot-Marie-Tooth disease type 2E. Last evaluated: 2020-05-11. Review status: criteria provided, single submitter. Criteria: Invitae Variant Classification Sherloc (09022015). Collection method: clinical testing. Allele origin: germline.
Comment: In summary, the available evidence is currently insufficient to determine the role of this variant in disease. Therefore, it has been classified as a Variant of Uncertain Significance. Experimental studies and prediction algorithms are not available or were not evaluated, and the functional significance of this variant is currently unknown. This variant has not been reported in the literature in individuals with NEFL-related conditions. This variant is present in population databases (rs777110668, ExAC 0.002%). This sequence change replaces serine with glycine at codon 290 of the NEFL protein (p.Ser290Gly). The serine residue is highly conserved and there is a small physicochemical difference between serine and glycine.